The following is an entry in ClinVar:

ClinVar aggregate classification (germline): Benign/Likely benign. Review status: criteria provided, multiple submitters, no conflicts (2 of 4 stars). 4 submissions from 4 submitters: Benign (1); Likely benign (3). Last evaluated 2025-11-01.

Conditions:
Xeroderma pigmentosum, group G (XPG). Also called: XERODERMA PIGMENTOSUM VII; XP, GROUP G; Xeroderma pigmentosum type 7; ERCC5-Related Xeroderma Pigmentosum. Identifiers: MedGen C0268141, MONDO:0010216, OMIM 278780.
Hereditary cancer-predisposing syndrome. Also called: Tumor predisposition; Neoplastic Syndromes, Hereditary; Hereditary neoplastic syndrome; Hereditary Cancer Syndrome. Identifiers: Orphanet 140162, MedGen C0027672, MeSH D009386, MONDO:0015356.

Allele frequency attached by ClinVar (database versions not stated): gnomAD 0.00010 and 0.00011; gnomAD exomes 0.00013 and 0.00063; TOPMed 0.00023; ExAC 0.00049.

Submissions (4):

CeGaT Center for Human Genetics Tuebingen
Classification: Likely benign. Last evaluated: 2025-11-01. Review status: criteria provided, single submitter. Criteria: CeGaT Center For Human Genetics Tuebingen Variant Classification Criteria Version 2. Collection method: clinical testing. Allele origin: germline. Affected: yes. Observed: 1 variant allele.
Comment: ERCC5: BP4, BP7

Labcorp Genetics (formerly Invitae), Labcorp
Classification: Benign. Last evaluated: 2025-09-22. Review status: criteria provided, single submitter. Criteria: Invitae Variant Classification Sherloc (09022015). Collection method: clinical testing. Allele origin: germline.

Sema4
Classification: Likely benign for Hereditary cancer-predisposing syndrome. Last evaluated: 2022-03-13. Review status: criteria provided, single submitter. Criteria: Sema4 Curation Guidelines. Collection method: curation. Allele origin: germline.

Illumina Laboratory Services, Illumina
Classification: Likely benign for Xeroderma pigmentosum, group G. Last evaluated: 2018-01-13. Review status: criteria provided, single submitter. Criteria: ICSL Variant Classification Criteria 13 December 2019. Collection method: clinical testing. Allele origin: germline.
Comment: This variant was observed in the ICSL laboratory as part of a predisposition screen in an ostensibly healthy population. It had not been previously curated by ICSL or reported in the Human Gene Mutation Database (HGMD: prior to June 1st, 2018), and was therefore a candidate for classification through an automated scoring system. Utilizing variant allele frequency, disease prevalence and penetrance estimates, and inheritance mode, an automated score was calculated to assess if this variant is too frequent to cause the disease. Based on the score and internal cut-off values, a variant classified as likely benign is not then subjected to further curation. The score for this variant resulted in a classification of likely benign for this disease.

NM_000123.4(ERCC5):c.1563A>G (p.Glu521=)

Genes: BIVM-ERCC5 (BIVM-ERCC5 readthrough; plus strand), ERCC5 (ERCC excision repair 5, endonuclease; plus strand). Cytogenetic location: 13q33.1.
Variant type: single nucleotide variant.
Coding change: c.1563A>G on transcript NM_000123.4 (MANE Select); coding-DNA position 1563, A replaced by G.
Protein change: p.Glu521=; no amino-acid change (glutamic acid 521 retained).
Molecular consequence: synonymous variant.
Genome position (GRCh38, 1-based): chr13:102,862,712, A>G. VCF-style: chr13-102862712-A-G. GRCh37 (hg19) VCF-style: chr13-103515062-A-G.
Other names: c.2925A>G, p.Glu975= (NM_001204425.2).
Identifiers: ClinVar variation 310923 (VCV000310923.20), dbSNP rs4150317, ClinGen allele CA7041434.
Genomic context (GRCh38, chr13:102,862,712, plus strand): 5'-GCCTCTGGAGAGTGCAGTGGTTAGACATAGTGACGCACCTGGGCTCCCGAATGGAAGGGA[A>G]CTGACACCGGCATCTCCAACTTGTACAAATTCTGTGTCAAAGAATGAAACACATGCTGAA-3'
Protein context (NP_000114.3, residues 511-531): SDAPGLPNGR[Glu521=]LTPASPTCTN